The following is an entry in ClinVar:

NM_005245.4(FAT1):c.6542T>C (p.Val2181Ala)

Gene: FAT1 (FAT atypical cadherin 1; minus strand). Cytogenetic location: 4q35.2.
Variant type: single nucleotide variant.
Coding change: c.6542T>C on transcript NM_005245.4 (MANE Select); coding-DNA position 6542, T replaced by C.
Protein change: p.Val2181Ala; replaces valine 2181 with alanine.
Molecular consequence: missense variant.
Genome position (GRCh38, 1-based): chr4:186,620,044, A>G on the plus strand (T>C on the coding strand, the complement: FAT1 is on the minus strand). VCF-style: chr4-186620044-A-G. GRCh37 (hg19) VCF-style: chr4-187541198-A-G.
Other names: short protein forms V2181A.
Identifiers: ClinVar variation 2373489 (VCV002373489.9), dbSNP rs779709345, ClinGen allele CA3166227.

ClinVar aggregate classification (germline): Uncertain significance. Review status: criteria provided, multiple submitters, no conflicts (2 of 4 stars). 2 submissions from 2 submitters: Uncertain significance (2). Last evaluated 2025-04-01.

Conditions:
Inborn genetic diseases. Identifiers: MedGen C0950123, MeSH D030342.

Allele frequency attached by ClinVar (database versions not stated): TOPMed below 0.00001; ExAC 0.00001; gnomAD 0.00001; gnomAD exomes 0.00003.
gnomAD v4.1: 39 of 1,613,936 alleles (0.0024%); highest among the groups gnomAD compares: Non-Finnish European, 0.0031%; no homozygotes.

Submissions (2):

CeGaT Center for Human Genetics Tuebingen
Classification: Uncertain significance. Last evaluated: 2025-04-01. Review status: criteria provided, single submitter. Criteria: CeGaT Center For Human Genetics Tuebingen Variant Classification Criteria Version 2. Collection method: clinical testing. Allele origin: germline. Affected: yes. Observed: 1 variant allele.
Comment: FAT1: PM2

Ambry Genetics
Classification: Uncertain significance for Inborn genetic diseases. Last evaluated: 2022-11-10. Review status: criteria provided, single submitter. Criteria: Ambry Variant Classification Scheme 2023. Collection method: clinical testing. Allele origin: germline.